The following is an entry in ClinVar:

ClinVar aggregate classification (germline): Likely benign (0 of 4 stars; one submission).

Conditions:
NRP1-related disorder. Also called: NRP1-related condition.

gnomAD v4.1: 24 of 1,614,176 alleles (0.0015%); highest among the groups gnomAD compares: Non-Finnish European, 0.0019%; no homozygotes.

Submission:

PreventionGenetics, part of Exact Sciences
Classification: Likely benign for NRP1-related condition. Last evaluated: 2023-11-29. Review status: no assertion criteria provided. Collection method: clinical testing. Allele origin: germline.
Comment: This variant is classified as likely benign based on ACMG/AMP sequence variant interpretation guidelines (Richards et al. 2015 PMID: 25741868, with internal and published modifications).

NM_003873.7(NRP1):c.2388T>C (p.Asp796=)

Gene: NRP1 (neuropilin 1; minus strand). Cytogenetic location: 10p11.22.
Variant type: single nucleotide variant.
Coding change: c.2388T>C on transcript NM_003873.7 (MANE Select); coding-DNA position 2388, T replaced by C.
Protein change: p.Asp796=; no amino-acid change (aspartic acid 796 retained).
Molecular consequence: synonymous variant. On other transcripts: non-coding transcript variant (1).
Genome position (GRCh38, 1-based): chr10:33,185,671, A>G on the plus strand (T>C on the coding strand, the complement: NRP1 is on the minus strand). VCF-style: chr10-33185671-A-G. GRCh37 (hg19) VCF-style: chr10-33474599-A-G.
Other names: c.2370T>C, p.Asp790= (NM_001244972.2); c.2367T>C, p.Asp789= (NM_001244973.2); c.2388T>C, p.Asp796= (NM_001330068.2).
Identifiers: ClinVar variation 3350798 (VCV003350798.1).